The following is an entry in ClinVar:

ClinVar aggregate classification (germline): Benign. Review status: criteria provided, multiple submitters, no conflicts (2 of 4 stars). 26 submissions from 22 submitters: Benign (21). 5 of the submissions do not count toward it. Last evaluated 2026-02-04.

Conditions:
Mitochondrial complex 2 deficiency, nuclear type 4. Also called: MITOCHONDRIAL COMPLEX II DEFICIENCY, NUCLEAR TYPE 4. Identifiers: MedGen C5543176, MONDO:0030974, OMIM 619224.
Hereditary cancer-predisposing syndrome. Also called: Tumor predisposition; Neoplastic Syndromes, Hereditary; Hereditary neoplastic syndrome; Hereditary Cancer Syndrome. Identifiers: Orphanet 140162, MedGen C0027672, MeSH D009386, MONDO:0015356.
Pheochromocytoma. Also called: MAX-Related Hereditary Paraganglioma-Pheochromocytoma Syndrome. Identifiers: Orphanet 29072, MedGen C0031511, MONDO:0008233, OMIM 171300, HP:0002666.
Gastrointestinal stromal tumor. Also called: Gastrointestinal stromal tumor, somatic; Gastrointestinal stroma tumor. Identifiers: Orphanet 44890, MedGen C0238198, MeSH D046152, MONDO:0011719, OMIM 606764, HP:0100723.
Pheochromocytoma/paraganglioma syndrome 4. Also called: CAROTID BODY TUMORS AND MULTIPLE EXTRAADRENAL PHEOCHROMOCYTOMAS; PARAGANGLIOMA, FAMILIAL MALIGNANT; PARAGANGLIOMAS, HEREDITARY EXTRAADRENAL; PHEOCHROMOCYTOMA, FAMILIAL EXTRAADRENAL; SDHB-Related Hereditary Paraganglioma-Pheochromocytoma Syndrome (Paragangliomas 4); SDHB-Related Hereditary Paraganglioma-Pheochromocytoma Syndrome. Identifiers: Orphanet 29072, MedGen C1861848, MONDO:0007273, OMIM 115310.
Hereditary pheochromocytoma and paraganglioma. Also called: Hereditary pheochromocytoma-paraganglioma; Hereditary paragangliomas and pheochromocytomas; Hereditary Paraganglioma-Pheochromocytoma Syndromes. Identifiers: Orphanet 29072, MedGen C4274332, MONDO:0017366.
Carney-Stratakis syndrome. Also called: PARAGANGLIOMA AND GASTROINTESTINAL STROMAL TUMOR. Identifiers: Orphanet 97286, MedGen C1847319, MONDO:0011740, OMIM 606864.

Allele frequency attached by ClinVar (database versions not stated): ESP Exome Variant Server 0.95147; TOPMed 0.95219; gnomAD 0.95374; 1000 Genomes Project 30x 0.95675; 1000 Genomes Project 0.95707.
gnomAD v4.1: 1,566,760 of 1,611,714 alleles (97%); highest among the groups gnomAD compares: East Asian, 99%; 761,753 homozygotes.

Submissions (26):

Labcorp Genetics (formerly Invitae), Labcorp
Classification: Benign for Gastrointestinal stromal tumor; Pheochromocytoma/paraganglioma syndrome 4; Pheochromocytoma. Last evaluated: 2026-02-04. Review status: criteria provided, single submitter. Criteria: Invitae Variant Classification Sherloc (09022015). Collection method: clinical testing. Allele origin: germline.

ARUP Laboratories, Molecular Genetics and Genomics, ARUP Laboratories
Classification: Benign. Last evaluated: 2025-07-30. Review status: criteria provided, single submitter. Criteria: ARUP Molecular Germline Variant Investigation Process 2024. Collection method: clinical testing. Allele origin: germline.

Myriad Genetics, Inc.
Classification: Benign for Pheochromocytoma/paraganglioma syndrome 4. Last evaluated: 2025-03-11. Review status: criteria provided, single submitter. Criteria: Myriad Autosomal Dominant, Autosomal Recessive and X-Linked Classification Criteria (2023). Collection method: clinical testing. Allele origin: unknown.
Comment: This variant is considered benign. This variant is a silent/synonymous amino acid change and it is not expected to impact splicing.

Hereditary Cancer Laboratory, Hospital Universitario 12 de Octubre
Classification: Benign for Hereditary cancer-predisposing syndrome. Last evaluated: 2025-01-08. Review status: criteria provided, single submitter. Criteria: ACMG Guidelines, 2015. Collection method: clinical testing. Allele origin: germline.
Comment: BA1+BP6+BP7

Blueprint Genetics
Classification: Benign. Last evaluated: 2024-11-26. Review status: criteria provided, single submitter. Criteria: ACMG Guidelines, 2015. Collection method: clinical testing. Allele origin: germline.

KCCC/NGS Laboratory, Kuwait Cancer Control Center
Classification: Benign for Pheochromocytoma/paraganglioma syndrome 4. Last evaluated: 2023-07-07. Review status: criteria provided, single submitter. Criteria: ACMG Guidelines, 2015. Collection method: clinical testing. Allele origin: germline. Affected: yes.

Genome-Nilou Lab
Classification: Benign for Gastrointestinal stromal tumor. Last evaluated: 2021-07-15. Review status: criteria provided, single submitter. Criteria: ACMG Guidelines, 2015. Collection method: clinical testing. Allele origin: germline. Affected: no.

Genome-Nilou Lab
Classification: Benign for Mitochondrial complex 2 deficiency, nuclear type 4. Last evaluated: 2021-07-15. Review status: criteria provided, single submitter. Criteria: ACMG Guidelines, 2015. Collection method: clinical testing. Allele origin: germline. Affected: no.

Genome-Nilou Lab
Classification: Benign for Pheochromocytoma/paraganglioma syndrome 4. Last evaluated: 2021-07-15. Review status: criteria provided, single submitter. Criteria: ACMG Guidelines, 2015. Collection method: clinical testing. Allele origin: germline. Affected: no.

Genome-Nilou Lab
Classification: Benign for Pheochromocytoma. Last evaluated: 2021-07-15. Review status: criteria provided, single submitter. Criteria: ACMG Guidelines, 2015. Collection method: clinical testing. Allele origin: germline. Affected: no.

Color Diagnostics, LLC DBA Color Health
Classification: Benign for Hereditary pheochromocytoma and paraganglioma. Last evaluated: 2019-03-29. Review status: criteria provided, single submitter. Criteria: ACMG Guidelines, 2015. Collection method: clinical testing. Allele origin: germline.

Mayo Clinic Laboratories, Mayo Clinic
Classification: Benign. Last evaluated: 2018-09-18. Review status: criteria provided, single submitter. Criteria: ACMG Guidelines, 2015. Collection method: clinical testing. Allele origin: germline. Observed: 679 variant alleles.

Illumina Laboratory Services, Illumina
Classification: Benign for Carney-Stratakis syndrome. Last evaluated: 2018-01-13. Review status: criteria provided, single submitter. Criteria: ICSL Variant Classification Criteria 13 December 2019. Collection method: clinical testing. Allele origin: germline.
Comment: This variant was observed in the ICSL laboratory as part of a predisposition screen in an ostensibly healthy population. It had not been previously curated by ICSL or reported in the Human Gene Mutation Database (HGMD: prior to June 1st, 2018), and was therefore a candidate for classification through an automated scoring system. Utilizing variant allele frequency, disease prevalence and penetrance estimates, and inheritance mode, an automated score was calculated to assess if this variant is too frequent to cause the disease. Based on the score and internal cut-off values, a variant classified as benign is not then subjected to further curation. The score for this variant resulted in a classification of benign for this disease.

Illumina Laboratory Services, Illumina
Classification: Benign for Hereditary Paraganglioma-Pheochromocytoma Syndromes. Last evaluated: 2018-01-13. Review status: criteria provided, single submitter. Criteria: ICSL Variant Classification Criteria 13 December 2019. Collection method: clinical testing. Allele origin: germline.
Comment: the same text as in the submission from Illumina Laboratory Services, Illumina above.

IntelligeneCG
Classification: Benign for Carney-Stratakis syndrome. Last evaluated: 2017-08-18. Review status: criteria provided, single submitter. Criteria: ACMG Guidelines, 2015. Collection method: clinical testing. Allele origin: germline. Affected: no.

Eurofins Ntd Llc (ga)
Classification: Benign. Last evaluated: 2015-05-04. Review status: criteria provided, single submitter. Criteria: EGL Classification Definitions 2015. Collection method: clinical testing. Allele origin: germline. Observed: 9 variant alleles, 9 homozygotes.

GeneDx
Classification: Benign. Last evaluated: 2015-03-03. Review status: criteria provided, single submitter. Criteria: GeneDx Variant Classification Process June 2021. Collection method: clinical testing. Allele origin: germline. Affected: yes.

Ambry Genetics
Classification: Benign for Hereditary cancer-predisposing syndrome. Last evaluated: 2014-11-18. Review status: criteria provided, single submitter. Criteria: Ambry Variant Classification Scheme 2023. Collection method: clinical testing. Allele origin: germline.

Laboratory for Molecular Medicine, Mass General Brigham Personalized Medicine
Classification: Benign. Last evaluated: 2011-10-06. Review status: criteria provided, single submitter. Criteria: LMM Criteria. Collection method: clinical testing. Allele origin: germline. Observed: 29 variant alleles.
Comment: This variant is classified as benign because it does not change the amino acid a nd is frequent in the general population (rs2746462, MAF >1%).

Breakthrough Genomics
Classification: Benign. Review status: criteria provided, single submitter. Criteria: ACMG Guidelines, 2015. Collection method: not provided. Allele origin: germline. Inheritance: Autosomal recessive inheritance. Affected: yes.

PreventionGenetics, part of Exact Sciences
Classification: Benign. Review status: criteria provided, single submitter. Criteria: ACMG Guidelines, 2015. Collection method: clinical testing. Allele origin: germline.

Clinical Genetics, Academic Medical Center
Classification: Benign. Review status: no assertion criteria provided. Collection method: clinical testing. Allele origin: germline. Affected: yes. Study: VKGL Data-share Consensus. Not counted in ClinVar's aggregate classification.

Diagnostic Laboratory, Department of Genetics, University Medical Center Groningen
Classification: Benign. Review status: no assertion criteria provided. Collection method: clinical testing. Allele origin: germline. Affected: yes. Study: VKGL Data-share Consensus. Not counted in ClinVar's aggregate classification.

Genome Diagnostics Laboratory, Amsterdam University Medical Center
Classification: Benign. Review status: no assertion criteria provided. Collection method: clinical testing. Allele origin: germline. Affected: yes. Study: VKGL Data-share Consensus. Not counted in ClinVar's aggregate classification.

Genome Diagnostics Laboratory, University Medical Center Utrecht
Classification: Benign. Review status: no assertion criteria provided. Collection method: clinical testing. Allele origin: germline. Affected: yes. Study: VKGL Data-share Consensus. Not counted in ClinVar's aggregate classification.

Joint Genome Diagnostic Labs from Nijmegen and Maastricht, Radboudumc and MUMC+
Classification: Benign. Review status: no assertion criteria provided. Collection method: clinical testing. Allele origin: germline. Affected: yes. Study: VKGL Data-share Consensus. Not counted in ClinVar's aggregate classification.

NM_003000.3(SDHB):c.18C>A (p.Ala6=)

Gene: SDHB (succinate dehydrogenase complex iron sulfur subunit B; minus strand). Cytogenetic location: 1p36.13.
Variant type: single nucleotide variant.
Coding change: c.18C>A on transcript NM_003000.3 (MANE Select); coding-DNA position 18, C replaced by A.
Protein change: p.Ala6=; no amino-acid change (alanine 6 retained).
Molecular consequence: synonymous variant.
Genome position (GRCh38, 1-based): chr1:17,054,002, G>T on the plus strand (C>A on the coding strand, the complement: SDHB is on the minus strand). VCF-style: chr1-17054002-G-T. GRCh37 (hg19) VCF-style: chr1-17380497-G-T.
Other names: p.Ala6=.
Identifiers: ClinVar variation 44641 (VCV000044641.56), dbSNP rs2746462, ClinGen allele CA015571.